The following is an entry in ClinVar:

NM_001320714.2(DOP1B):c.6810G>A (p.Leu2270=)

Gene: DOP1B (DOP1 leucine zipper like protein B; plus strand). Cytogenetic location: 21q22.12.
Variant type: single nucleotide variant.
Coding change: c.6810G>A on transcript NM_001320714.2 (MANE Select); coding-DNA position 6810, G replaced by A.
Protein change: p.Leu2270=; no amino-acid change (leucine 2270 retained).
Molecular consequence: synonymous variant.
Genome position (GRCh38, 1-based): chr21:36,293,484, G>A. VCF-style: chr21-36293484-G-A. GRCh37 (hg19) VCF-style: chr21-37665782-G-A.
Other names: c.6810G>A, p.Leu2270= (NM_005128.4).
Identifiers: ClinVar variation 4280935 (VCV004280935.7).

ClinVar aggregate classification (germline): Likely benign (1 of 4 stars; one submission).

gnomAD v4.1: 975 of 1,613,958 alleles (0.06%); highest among the groups gnomAD compares: Middle Eastern, 0.12%; 3 homozygotes.

Submission:

CeGaT Center for Human Genetics Tuebingen
Classification: Likely benign. Last evaluated: 2025-09-01. Review status: criteria provided, single submitter. Criteria: CeGaT Center For Human Genetics Tuebingen Variant Classification Criteria Version 2. Collection method: clinical testing. Allele origin: germline. Affected: yes. Observed: 1 variant allele.
Comment: DOP1B: BP4, BP7